The following is an entry in ClinVar:

ClinVar aggregate classification (germline): Uncertain significance (1 of 4 stars; one submission).

Conditions:
Cardiovascular phenotype. Identifiers: MedGen CN230736.

Allele frequency attached by ClinVar (database versions not stated): gnomAD exomes below 0.00001.

Submission:

Ambry Genetics
Classification: Uncertain significance for Cardiovascular phenotype. Last evaluated: 2023-11-25. Review status: criteria provided, single submitter. Criteria: Ambry Variant Classification Scheme 2023. Collection method: clinical testing. Allele origin: germline.
Comment: The p.D159E variant (also known as c.477C>A), located in coding exon 4 of the SCN4B gene, results from a C to A substitution at nucleotide position 477. The aspartic acid at codon 159 is replaced by glutamic acid, an amino acid with highly similar properties. This amino acid position is conserved. In addition, the in silico prediction for this alteration is inconclusive. Since supporting evidence is limited at this time, the clinical significance of this alteration remains unclear.

NM_174934.4(SCN4B):c.477C>A (p.Asp159Glu)

Gene: SCN4B (sodium voltage-gated channel beta subunit 4; minus strand). Cytogenetic location: 11q23.3.
Variant type: single nucleotide variant.
Coding change: c.477C>A on transcript NM_174934.4 (MANE Select); coding-DNA position 477, C replaced by A.
Protein change: p.Asp159Glu; replaces aspartic acid 159 with glutamic acid.
Molecular consequence: missense variant. On other transcripts: non-coding transcript variant (1).
Genome position (GRCh38, 1-based): chr11:118,141,323, G>T on the plus strand (C>A on the coding strand, the complement: SCN4B is on the minus strand). VCF-style: chr11-118141323-G-T. GRCh37 (hg19) VCF-style: chr11-118012038-G-T.
Other names: c.75C>A, p.Asp25Glu (NM_001142348.2); c.147C>A, p.Asp49Glu (NM_001142349.2); short protein forms D159E, D25E, D49E.
Identifiers: ClinVar variation 3229289 (VCV003229289.1), dbSNP rs1217200859, ClinGen allele CA382777636.